The following is an entry in ClinVar:

NM_001197104.2(KMT2A):c.4902G>C (p.Glu1634Asp)

Gene: KMT2A (lysine methyltransferase 2A; plus strand). Cytogenetic location: 11q23.3.
Variant type: single nucleotide variant.
Coding change: c.4902G>C on transcript NM_001197104.2 (MANE Select); coding-DNA position 4902, G replaced by C.
Protein change: p.Glu1634Asp; replaces glutamic acid 1634 with aspartic acid.
Molecular consequence: missense variant.
Genome position (GRCh38, 1-based): chr11:118,491,826, G>C. VCF-style: chr11-118491826-G-C. GRCh37 (hg19) VCF-style: chr11-118362541-G-C.
Other names: c.4992G>C, p.Glu1664Asp (NM_001412597.1); c.4893G>C, p.Glu1631Asp (NM_005933.4); short protein forms E1631D, E1634D, E1664D.
Identifiers: ClinVar variation 3634322 (VCV003634322.2).

ClinVar aggregate classification (germline): Uncertain significance (1 of 4 stars; one submission).

Submission:

Labcorp Genetics (formerly Invitae), Labcorp
Classification: Uncertain significance. Last evaluated: 2024-10-12. Review status: criteria provided, single submitter. Criteria: Invitae Variant Classification Sherloc (09022015). Collection method: clinical testing. Allele origin: germline.
Comment: This sequence change replaces glutamic acid, which is acidic and polar, with aspartic acid, which is acidic and polar, at codon 1634 of the KMT2A protein (p.Glu1634Asp). This variant is not present in population databases (gnomAD no frequency). This variant has not been reported in the literature in individuals affected with KMT2A-related conditions. Invitae Evidence Modeling of protein sequence and biophysical properties (such as structural, functional, and spatial information, amino acid conservation, physicochemical variation, residue mobility, and thermodynamic stability) indicates that this missense variant is not expected to disrupt KMT2A protein function with a negative predictive value of 95%. In summary, the available evidence is currently insufficient to determine the role of this variant in disease. Therefore, it has been classified as a Variant of Uncertain Significance.